The following is an entry in ClinVar:

NM_014314.4(RIGI):c.2482-70_2482-66dup

Gene: RIGI (RNA sensor RIG-I; minus strand). Cytogenetic location: 9p21.1.
Variant type: Duplication.
Coding change: c.2482-70_2482-66dup on transcript NM_014314.4 (MANE Select); 70 bases into the intron before coding-DNA position 2482 through 66 bases into the intron before coding-DNA position 2482, 5 bases duplicated (TTTTT; older notation c.2482-70_2482-66dupTTTTT).
Molecular consequence: intron variant.
Genome position (GRCh38, 1-based): chr9:32,457,484-32,457,488, AAAAA duplicated on the plus strand (TTTTT on the coding strand, the reverse complement: RIGI is on the minus strand); duplicating any 5 consecutive bases within chr9:32,457,484-32,457,497 gives the same sequence; the c. name uses the placement nearest the transcript's 3' end. VCF-style (leftmost placement, unchanged base first): chr9-32457483-T-TAAAAA. GRCh37 (hg19) VCF-style: chr9-32457481-T-TAAAAA.
Other names: c.1873-70_1873-66dup (NM_001385912.1); c.2467-70_2467-66dup (NM_001385913.1); c.2476-70_2476-66dup (NM_001385907.1); c.2311-70_2311-66dup (NM_001385909.1); c.2038-70_2038-66dup (NM_001385914.1); c.2041-70_2041-66dup (NM_001385910.1).
Identifiers: ClinVar variation 2637882 (VCV002637882.2), dbSNP rs377205390, ClinGen allele CA863275140.

ClinVar aggregate classification (germline): Benign (1 of 4 stars; one submission).

Submission:

Unidad de Genómica Garrahan, Hospital de Pediatría Garrahan
Classification: Benign. Last evaluated: 2023-11-14. Review status: criteria provided, single submitter. Criteria: ACMG Guidelines, 2015. Collection method: clinical testing. Allele origin: germline. Affected: no. Observed: 30 variant alleles.
Comment: This variant is classified as Benign based on local population frequency. This variant was detected in 31% of patients studied by a panel of primary immunodeficiencies. Number of patients: 30. Only high quality variants are reported.